The following is an entry in ClinVar:

NM_198576.4(AGRN):c.3972G>A (p.Pro1324=)

Gene: AGRN (agrin; plus strand). Cytogenetic location: 1p36.33.
Variant type: single nucleotide variant.
Coding change: c.3972G>A on transcript NM_198576.4 (MANE Select); coding-DNA position 3972, G replaced by A.
Protein change: p.Pro1324=; no amino-acid change (proline 1324 retained).
Molecular consequence: synonymous variant.
Genome position (GRCh38, 1-based): chr1:1,048,232, G>A. VCF-style: chr1-1048232-G-A. GRCh37 (hg19) VCF-style: chr1-983612-G-A.
Other names: c.3972G>A (LRG_198t1); c.3972G>A, p.Pro1324= (NM_001305275.2); c.3657G>A, p.Pro1219= (NM_001364727.2).
Identifiers: ClinVar variation 128306 (VCV000128306.20), dbSNP rs201483077, ClinGen allele CA151651.

ClinVar aggregate classification (germline): Benign. Review status: criteria provided, multiple submitters, no conflicts (2 of 4 stars). 5 submissions from 5 submitters: Benign (4). 1 of the submissions does not count toward it. Last evaluated 2026-02-03.

Conditions:
Congenital myasthenic syndrome 8. Also called: Myasthenic syndrome, congenital, 8, with pre- and postsynaptic defects; MYASTHENIC SYNDROME, CONGENITAL, DUE TO AGRIN DEFICIENCY. Identifiers: Orphanet 590, MedGen C3808739, MONDO:0014052, OMIM 615120.

Allele frequency attached by ClinVar (database versions not stated): gnomAD exomes 0.00174; ExAC 0.00308; ESP Exome Variant Server 0.00679; gnomAD 0.00750 and 0.00799; 1000 Genomes Project 0.00779; TOPMed 0.00822; 1000 Genomes Project 30x 0.00859.
gnomAD v4.1: 2,235 of 1,544,622 alleles (0.14%); highest among the groups gnomAD compares: African/African-American, 2.6%; 18 homozygotes.

Submissions (5):

Labcorp Genetics (formerly Invitae), Labcorp
Classification: Benign for Congenital myasthenic syndrome 8. Last evaluated: 2026-02-03. Review status: criteria provided, single submitter. Criteria: Invitae Variant Classification Sherloc (09022015). Collection method: clinical testing. Allele origin: germline.

GeneDx
Classification: Benign. Last evaluated: 2018-03-13. Review status: criteria provided, single submitter. Criteria: GeneDx Variant Classification (06012015). Collection method: clinical testing. Allele origin: germline. Affected: yes.
Comment: This variant is considered likely benign or benign based on one or more of the following criteria: it is a conservative change, it occurs at a poorly conserved position in the protein, it is predicted to be benign by multiple in silico algorithms, and/or has population frequency not consistent with disease.

Breakthrough Genomics
Classification: Benign. Review status: criteria provided, single submitter. Criteria: ACMG Guidelines, 2015. Collection method: not provided. Allele origin: germline. Inheritance: Autosomal recessive inheritance. Affected: yes.

PreventionGenetics, part of Exact Sciences
Classification: Benign. Review status: criteria provided, single submitter. Criteria: ACMG Guidelines, 2015. Collection method: clinical testing. Allele origin: germline.

Genetic Services Laboratory, University of Chicago
Classification: Likely benign for AllHighlyPenetrant. Review status: no assertion criteria provided. Collection method: clinical testing. Allele origin: germline. Inheritance: Autosomal recessive inheritance. Not counted in ClinVar's aggregate classification.
Comment: Likely benign based on allele frequency in 1000 Genomes Project or ESP global frequency and its presence in a patient with a rare or unrelated disease phenotype. NOT Sanger confirmed.